The following is an entry in ClinVar:

NM_022765.4(MICAL1):c.-39T>G

Gene: MICAL1 (microtubule associated monooxygenase, calponin and LIM domain containing 1; minus strand). Cytogenetic location: 6q21.
Variant type: single nucleotide variant.
Coding change: c.-39T>G on transcript NM_022765.4 (MANE Select); 39 bases upstream of the start codon, T replaced by G.
Molecular consequence: 5 prime UTR variant. On other transcripts: missense variant (1).
Genome position (GRCh38, 1-based): chr6:109,454,235, A>C on the plus strand (T>G on the coding strand, the complement: MICAL1 is on the minus strand). VCF-style: chr6-109454235-A-C. GRCh37 (hg19) VCF-style: chr6-109775438-A-C.
Other names: c.-39T>G (NM_001159291.2); c.19T>G, p.Ser7Ala (NM_001286613.2); short protein forms S7A.
Identifiers: ClinVar variation 2841120 (VCV002841120.3), dbSNP rs1775660676, ClinGen allele CA365234758.

ClinVar aggregate classification (germline): Uncertain significance (1 of 4 stars; one submission).

Submission:

Labcorp Genetics (formerly Invitae), Labcorp
Classification: Uncertain significance. Last evaluated: 2023-02-26. Review status: criteria provided, single submitter. Criteria: Invitae Variant Classification Sherloc (09022015). Collection method: clinical testing. Allele origin: germline.
Comment: In summary, the available evidence is currently insufficient to determine the role of this variant in disease. Therefore, it has been classified as a Variant of Uncertain Significance. Experimental studies and prediction algorithms are not available or were not evaluated, and the functional significance of this variant is currently unknown. This variant has not been reported in the literature in individuals affected with MICAL1-related conditions. This variant is not present in population databases (gnomAD no frequency). This sequence change replaces serine, which is neutral and polar, with alanine, which is neutral and non-polar, at codon 7 of the MICAL1 protein (p.Ser7Ala).